The following is an entry in ClinVar:

NM_001370466.1(NOD2):c.395G>A (p.Arg132Gln)

Gene: NOD2 (nucleotide binding oligomerization domain containing 2; plus strand). Cytogenetic location: 16q12.1.
Variant type: single nucleotide variant.
Coding change: c.395G>A on transcript NM_001370466.1 (MANE Select); coding-DNA position 395, G replaced by A.
Protein change: p.Arg132Gln; replaces arginine 132 with glutamine.
Molecular consequence: missense variant. On other transcripts: non-coding transcript variant (1).
Genome position (GRCh38, 1-based): chr16:50,699,890, G>A. VCF-style: chr16-50699890-G-A. GRCh37 (hg19) VCF-style: chr16-50733801-G-A.
Other names: c.395G>A, p.Arg132Gln (NM_001293557.2); c.476G>A, p.Arg159Gln (NM_022162.3); short protein forms R159Q, R132Q.
Identifiers: ClinVar variation 531601 (VCV000531601.9), dbSNP rs150996156, ClinGen allele CA281250492.

ClinVar aggregate classification (germline): Uncertain significance (1 of 4 stars; one submission).

Conditions:
Regional enteritis. Also called: Enteritis, Granulomatous. Identifiers: MedGen C0678202, MeSH D003424.
Blau syndrome (BLAUS). Also called: ARTHROCUTANEOUVEAL GRANULOMATOSIS; GRANULOMATOSIS, FAMILIAL JUVENILE SYSTEMIC; GRANULOMATOSIS, FAMILIAL, BLAU TYPE; GRANULOMATOUS INFLAMMATORY ARTHRITIS, DERMATITIS, AND UVEITIS, FAMILIAL; JABS SYNDROME. Identifiers: Orphanet 90340, MedGen C5201146, MONDO:0008523, OMIM 186580.

Allele frequency attached by ClinVar (database versions not stated): gnomAD exomes below 0.00001 and 0.00001; TOPMed below 0.00001; gnomAD 0.00001; ESP Exome Variant Server 0.00008.
gnomAD v4.1: 9 of 1,612,696 alleles (0.00056%); highest among the groups gnomAD compares: African/African-American, 0.0027%; no homozygotes.

Submission:

Labcorp Genetics (formerly Invitae), Labcorp
Classification: Uncertain significance for Regional enteritis; Blau syndrome. Last evaluated: 2023-07-27. Review status: criteria provided, single submitter. Criteria: Invitae Variant Classification Sherloc (09022015). Collection method: clinical testing. Allele origin: germline.
Comment: This variant has not been reported in the literature in individuals affected with NOD2-related conditions. This variant is present in population databases (rs150996156, gnomAD 0.003%). This sequence change replaces arginine, which is basic and polar, with glutamine, which is neutral and polar, at codon 159 of the NOD2 protein (p.Arg159Gln). ClinVar contains an entry for this variant (Variation ID: 531601). In summary, the available evidence is currently insufficient to determine the role of this variant in disease. Therefore, it has been classified as a Variant of Uncertain Significance. Advanced modeling of protein sequence and biophysical properties (such as structural, functional, and spatial information, amino acid conservation, physicochemical variation, residue mobility, and thermodynamic stability) performed at Invitae indicates that this missense variant is not expected to disrupt NOD2 protein function.